The following is an entry in ClinVar:

NM_001244710.2(GFPT1):c.1267C>T (p.Leu423=)

Gene: GFPT1 (glutamine--fructose-6-phosphate transaminase 1; minus strand). Cytogenetic location: 2p13.3.
Variant type: single nucleotide variant.
Coding change: c.1267C>T on transcript NM_001244710.2 (MANE Select); coding-DNA position 1267, C replaced by T.
Protein change: p.Leu423=; no amino-acid change (leucine 423 retained).
Molecular consequence: synonymous variant.
Genome position (GRCh38, 1-based): chr2:69,338,502, G>A on the plus strand (C>T on the coding strand, the complement: GFPT1 is on the minus strand). VCF-style: chr2-69338502-G-A. GRCh37 (hg19) VCF-style: chr2-69565634-G-A.
Other names: c.1213C>T, p.Leu405= (NM_002056.4).
Identifiers: ClinVar variation 734537 (VCV000734537.13), dbSNP rs1168233879, ClinGen allele CA426617752.

ClinVar aggregate classification (germline): Likely benign. Review status: criteria provided, multiple submitters, no conflicts (2 of 4 stars). 3 submissions from 3 submitters: Likely benign (2). 1 of the submissions does not count toward it. Last evaluated 2023-12-02.

Conditions:
GFPT1-related disorder. Also called: GFPT1-related condition.
Congenital myasthenic syndrome 12 (CMS12). Also called: MYASTHENIC SYNDROME, CONGENITAL, WITH TUBULAR AGGREGATES 1; Myasthenia, congenital, 12, with tubular aggregates. Identifiers: Orphanet 353327, Orphanet 590, MedGen C3552335, MONDO:0012518, OMIM 610542.

Allele frequency attached by ClinVar (database versions not stated): gnomAD exomes below 0.00001 and 0.00001; TOPMed 0.00001.
gnomAD v4.1: 8 of 1,613,240 alleles (0.0005%); highest among the groups gnomAD compares: Middle Eastern, 0.017%; no homozygotes.

Submissions (3):

Labcorp Genetics (formerly Invitae), Labcorp
Classification: Likely benign for Congenital myasthenic syndrome 12. Last evaluated: 2023-12-02. Review status: criteria provided, single submitter. Criteria: Invitae Variant Classification Sherloc (09022015). Collection method: clinical testing. Allele origin: germline.

Blueprint Genetics
Classification: Likely benign. Last evaluated: 2022-07-22. Review status: criteria provided, single submitter. Criteria: ACMG Guidelines, 2015. Collection method: clinical testing. Allele origin: germline.

PreventionGenetics, part of Exact Sciences
Classification: Likely benign for GFPT1-related condition. Last evaluated: 2024-02-09. Review status: no assertion criteria provided. Collection method: clinical testing. Allele origin: germline. Not counted in ClinVar's aggregate classification.
Comment: This variant is classified as likely benign based on ACMG/AMP sequence variant interpretation guidelines (Richards et al. 2015 PMID: 25741868, with internal and published modifications).